The following is an entry in ClinVar:

ClinVar aggregate classification (germline): Uncertain significance. Review status: criteria provided, single submitter (1 of 4 stars). 2 submissions from 2 submitters: Uncertain significance (1). 1 of the submissions does not count toward it. Last evaluated 2021-10-20.

Conditions:
Dilated cardiomyopathy 1S (CMD1S). Identifiers: Orphanet 154, Orphanet 54260, MedGen C1834481, MONDO:0013262, OMIM 613426.
Cardiovascular phenotype. Identifiers: MedGen CN230736.

Submissions (2):

Ambry Genetics
Classification: Uncertain significance for Cardiovascular phenotype. Last evaluated: 2021-10-20. Review status: criteria provided, single submitter. Criteria: Ambry Variant Classification Scheme 2023. Collection method: clinical testing. Allele origin: germline.
Comment: The c.1333_1336delACGG variant, located in coding exon 8 of the DES gene, results from a deletion of 4 nucleotides at nucleotide positions 1333 to 1336, causing a translational frameshift with a predicted alternate stop codon (p.T445*). This alteration occurs at the 3' terminus of theDES gene, is not expected to trigger nonsense-mediated mRNAdecay, and only impacts the last 26 amino acids (5.5%) of the protein. The exact functional effect of this alteration is unknown. This variant (referred to as c.1332_1335delGACG, p.Thr445*) has been detected in an individual with dilated cardiomyopathy (Klauke B et al. PLoS One, 2017 Dec;12:e0189489). Since supporting evidence is limited at this time, the clinical significance of this alteration remains unclear.

Institut für Laboratoriums- und Transfusionsmedizin, Herz- und Diabeteszentrum Nordrhein-Westfalen
Classification: Pathogenic for Dilated cardiomyopathy 1S. Last evaluated: 2016-05-01. Review status: no assertion criteria provided. Collection method: clinical testing. Allele origin: germline. Affected: yes. Observed: 1 variant allele. Not counted in ClinVar's aggregate classification.

Literature cited by the submitters: PubMed 29253866 (cited by Ambry Genetics).

NM_001927.4(DES):c.1333_1336del (p.Lys444_Thr445insTer)

Gene: DES (desmin; plus strand). Cytogenetic location: 2q35.
Variant type: Deletion.
Coding change: c.1333_1336del on transcript NM_001927.4 (MANE Select); coding-DNA positions 1333 to 1336, 4 bases deleted (ACGG; older notation c.1333_1336delACGG).
Protein change: p.Lys444_Thr445insTer.
Molecular consequence: nonsense.
Genome position (GRCh38, 1-based): chr2:219,425,707-219,425,710, ACGG deleted; deleting any 4 consecutive bases within chr2:219,425,706-219,425,710 gives the same sequence; the c. name uses the placement nearest the transcript's 3' end. VCF-style (leftmost placement, unchanged base first): chr2-219425705-AGACG-A. GRCh37 (hg19) VCF-style: chr2-220290427-AGACG-A.
Other names: c.1332_1335del (LRG_380t1).
Identifiers: ClinVar variation 265807 (VCV000265807.4), dbSNP rs1114167327, ClinGen allele CA645369282.
Genomic context (GRCh38, chr2:219,425,705, plus strand): 5'-CGATGGACCCTGTTACAGAAACCAGCCCTGAGCAAAGGGGTTCTGAGGTCCATACCAAGA[AGACG>A]GTGATGATCAAGACCATCGAGACACGGGATGGGGAGGTAAGTGGTCTGTCTGGGCTCCTT-3'